The following is an entry in ClinVar:

ClinVar aggregate classification (germline): Likely pathogenic (1 of 4 stars; one submission).

Conditions:
Sanfilippo syndrome. Also called: Mucopolysaccharidosis Type III; Mucopolysaccharidosis type 3; Sanfilippo disease. Identifiers: Orphanet 581, MedGen C0026706, MONDO:0018937.

Submission:

Natera, Inc.
Classification: Likely pathogenic for Sanfilippo disease. Last evaluated: 2025-10-07. Review status: criteria provided, single submitter. Criteria: Natera Variant Classification Schema (03/2026). Collection method: clinical testing. Allele origin: germline.
Comment: The c.368G>A variant in GNS is a nonsense variant predicted to introduce a stop codon at amino acid 123. This variant is expected to result in nonsense mediated decay, truncation, or a dysfunctional protein product. This variant is rare in the general population with a frequency below the threshold expected for the associated phenotype(s). Given the available evidence, this variant is classified as Likely Pathogenic.

NM_002076.4(GNS):c.368G>A (p.Trp123Ter)

Gene: GNS (glucosamine (N-acetyl)-6-sulfatase; minus strand). Cytogenetic location: 12q14.3.
Variant type: single nucleotide variant.
Coding change: c.368G>A on transcript NM_002076.4 (MANE Select); coding-DNA position 368, G replaced by A.
Protein change: p.Trp123Ter; replaces tryptophan 123 with a stop codon.
Molecular consequence: nonsense.
Genome position (GRCh38, 1-based): chr12:64,747,803, C>T on the plus strand (G>A on the coding strand, the complement: GNS is on the minus strand). VCF-style: chr12-64747803-C-T. GRCh37 (hg19) VCF-style: chr12-65141583-C-T.
Other names: short protein forms W123*.
Identifiers: ClinVar variation 4814994 (VCV004814994.1).
Genomic context (GRCh38, chr12:64,747,803, plus strand): 5'-TGATAACCACACATTGATCTGAGAATTGCTGGGAAAGTATTTGGTTCTTGGATCTTCTGC[C>T]AGGACTTACTACTGCAGTTCCCCTCCAGAGTGTTGTTCACAACGTGATGATTATGTGGGT-3'